The following is an entry in ClinVar:

ClinVar aggregate classification (germline): Conflicting classifications of pathogenicity. Review status: criteria provided, conflicting classifications (1 of 4 stars). 3 submissions from 3 submitters: Uncertain significance (2); Benign (1). Last evaluated 2025-11-26.

Conditions:
Gorlin syndrome. Also called: Nevoid Basal Cell Carcinoma Syndrome; Basal cell nevus syndrome. Identifiers: Orphanet 377, MedGen C0004779, MONDO:0007187.
Hereditary cancer-predisposing syndrome. Also called: Hereditary neoplastic syndrome; Neoplastic Syndromes, Hereditary; Tumor predisposition; Hereditary Cancer Syndrome. Identifiers: Orphanet 140162, MedGen C0027672, MeSH D009386, MONDO:0015356.

Allele frequency attached by ClinVar (database versions not stated): TOPMed below 0.00001; ExAC 0.00001; gnomAD exomes 0.00001.
gnomAD v4.1: 3 of 1,613,002 alleles (0.00019%); highest among the groups gnomAD compares: Admixed American, 0.005%; no homozygotes.

Submissions (3):

Labcorp Genetics (formerly Invitae), Labcorp
Classification: Benign for Gorlin syndrome. Last evaluated: 2025-11-26. Review status: criteria provided, single submitter. Criteria: Invitae Variant Classification Sherloc (09022015). Collection method: clinical testing. Allele origin: germline.

Ambry Genetics
Classification: Uncertain significance for Hereditary cancer-predisposing syndrome. Last evaluated: 2024-09-12. Review status: criteria provided, single submitter. Criteria: Ambry Variant Classification Scheme 2023. Collection method: clinical testing. Allele origin: germline.
Comment: The p.P1349L variant (also known as c.4046C>T), located in coding exon 23 of the PTCH1 gene, results from a C to T substitution at nucleotide position 4046. The proline at codon 1349 is replaced by leucine, an amino acid with similar properties. This amino acid position is conserved. In addition, this alteration is predicted to be tolerated by in silico analysis. Since supporting evidence is limited at this time, the clinical significance of this alteration remains unclear.

Quest Diagnostics Nichols Institute San Juan Capistrano
Classification: Uncertain significance. Last evaluated: 2023-01-18. Review status: criteria provided, single submitter. Criteria: Quest Diagnostics criteria. Collection method: clinical testing. Allele origin: unknown.
Comment: To the best of our knowledge, the variant has not been reported in the published literature. The frequency of this variant in the general population, 0.000087 (3/34522 chromosomes in Latino/Admixed American subpopulation), is higher than would generally be expected for pathogenic variants in this gene. Analysis of this variant using bioinformatics tools for the prediction of the effect of amino acid changes on protein structure and function yielded predictions that this variant is benign. Based on the available information, we are unable to determine the clinical significance of this variant.

NM_000264.5(PTCH1):c.4046C>T (p.Pro1349Leu)

Gene: PTCH1 (patched 1; minus strand). Cytogenetic location: 9q22.32.
Variant type: single nucleotide variant.
Coding change: c.4046C>T on transcript NM_000264.5 (MANE Select); coding-DNA position 4046, C replaced by T.
Protein change: p.Pro1349Leu; replaces proline 1349 with leucine.
Molecular consequence: missense variant. On other transcripts: non-coding transcript variant (1).
Genome position (GRCh38, 1-based): chr9:95,447,210, G>A on the plus strand (C>T on the coding strand, the complement: PTCH1 is on the minus strand). VCF-style: chr9-95447210-G-A. GRCh37 (hg19) VCF-style: chr9-98209492-G-A.
Other names: c.3848C>T, p.Pro1283Leu (NM_001083602.3); c.4043C>T, p.Pro1348Leu (NM_001083603.3); c.3593C>T, p.Pro1198Leu (NM_001083604.3, NM_001083605.3, NM_001083606.3 and 1 more transcripts); c.3890C>T, p.Pro1297Leu (NM_001354918.2); c.4046C>T (NM_000264.4); short protein forms P1283L, P1349L, P1198L, P1297L, P1348L.
Identifiers: ClinVar variation 409204 (VCV000409204.15), dbSNP rs773298544, ClinGen allele CA5137968.
Genomic context (GRCh38, chr9:95,447,210, plus strand): 5'-GTGATGGGCTGGCAGTAGCCGGGCACGGAGCTGCCCATGGCAGTGGACGCTGGGTTCCGA[G>A]GGTTGTGAGAACGGGCCCCGCGAGGGCCCCAGCGGGCCCTATTGCTAGGGCCAGAATGCC-3'
Protein context (NP_000255.2, residues 1339-1359): WGPRGARSHN[Pro1349Leu]RNPASTAMGS